The following is an entry in ClinVar:

ClinVar aggregate classification (germline): Uncertain significance (1 of 4 stars; one submission).

Allele frequency attached by ClinVar (database versions not stated): ExAC 0.00001; gnomAD exomes 0.00001; TOPMed 0.00002.
gnomAD v4.1: 5 of 1,609,110 alleles (0.00031%); highest among the groups gnomAD compares: Admixed American, 0.0084%; no homozygotes.

Submission:

Labcorp Genetics (formerly Invitae), Labcorp
Classification: Uncertain significance. Last evaluated: 2025-10-27. Review status: criteria provided, single submitter. Criteria: Invitae Variant Classification Sherloc (09022015). Collection method: clinical testing. Allele origin: germline.
Comment: This sequence change replaces aspartic acid, which is acidic and polar, with tyrosine, which is neutral and polar, at codon 1583 of the PIK3C2A protein (p.Asp1583Tyr). This variant is present in population databases (rs763977292, gnomAD 0.01%). This variant has not been reported in the literature in individuals affected with PIK3C2A-related conditions. ClinVar contains an entry for this variant (Variation ID: 1946850). An algorithm developed to predict the effect of missense changes on protein structure and function (PolyPhen-2) suggests that this variant is likely to be disruptive. In summary, the available evidence is currently insufficient to determine the role of this variant in disease. Therefore, it has been classified as a Variant of Uncertain Significance.

NM_002645.4(PIK3C2A):c.4747G>T (p.Asp1583Tyr)

Gene: PIK3C2A (phosphatidylinositol-4-phosphate 3-kinase catalytic subunit type 2 alpha; minus strand). Cytogenetic location: 11p15.1.
Variant type: single nucleotide variant.
Coding change: c.4747G>T on transcript NM_002645.4 (MANE Select); coding-DNA position 4747, G replaced by T.
Protein change: p.Asp1583Tyr; replaces aspartic acid 1583 with tyrosine.
Molecular consequence: missense variant.
Genome position (GRCh38, 1-based): chr11:17,091,552, C>A on the plus strand (G>T on the coding strand, the complement: PIK3C2A is on the minus strand). VCF-style: chr11-17091552-C-A. GRCh37 (hg19) VCF-style: chr11-17113099-C-A.
Other names: c.4747G>T, p.Asp1583Tyr (NM_001321378.2); c.3607G>T, p.Asp1203Tyr (NM_001321380.2); c.4579G>T, p.Asp1527Tyr (NM_001386870.1); short protein forms D1527Y, D1583Y, D1203Y.
Identifiers: ClinVar variation 1946850 (VCV001946850.5), dbSNP rs763977292, ClinGen allele CA5900454.